The following is an entry in ClinVar:

NM_033026.6(PCLO):c.2668C>T (p.Pro890Ser)

Gene: PCLO (piccolo presynaptic cytomatrix protein; minus strand). Cytogenetic location: 7q21.11.
Variant type: single nucleotide variant.
Coding change: c.2668C>T on transcript NM_033026.6 (MANE Select); coding-DNA position 2668, C replaced by T.
Protein change: p.Pro890Ser; replaces proline 890 with serine.
Molecular consequence: missense variant.
Genome position (GRCh38, 1-based): chr7:83,134,882, G>A on the plus strand (C>T on the coding strand, the complement: PCLO is on the minus strand). VCF-style: chr7-83134882-G-A. GRCh37 (hg19) VCF-style: chr7-82764198-G-A.
Other names: c.2668C>T, p.Pro890Ser (NM_014510.3); short protein forms P890S.
Identifiers: ClinVar variation 1466799 (VCV001466799.6), dbSNP rs752585313, ClinGen allele CA4321228.

ClinVar aggregate classification (germline): Uncertain significance (1 of 4 stars; one submission).

Allele frequency attached by ClinVar (database versions not stated): ExAC 0.00001.
gnomAD v4.1: 16 of 1,604,374 alleles (0.001%); highest among the groups gnomAD compares: South Asian, 0.018%; no homozygotes.

Submission:

Labcorp Genetics (formerly Invitae), Labcorp
Classification: Uncertain significance. Last evaluated: 2022-02-05. Review status: criteria provided, single submitter. Criteria: Invitae Variant Classification Sherloc (09022015). Collection method: clinical testing. Allele origin: germline.
Comment: In summary, the available evidence is currently insufficient to determine the role of this variant in disease. Therefore, it has been classified as a Variant of Uncertain Significance. Algorithms developed to predict the effect of missense changes on protein structure and function output the following: SIFT: "Tolerated"; PolyPhen-2: "Not Available"; Align-GVGD: "Class C0". The serine amino acid residue is found in multiple mammalian species, which suggests that this missense change does not adversely affect protein function. This variant has not been reported in the literature in individuals affected with PCLO-related conditions. This variant is present in population databases (rs752585313, gnomAD 0.01%). This sequence change replaces proline, which is neutral and non-polar, with serine, which is neutral and polar, at codon 890 of the PCLO protein (p.Pro890Ser).